The following is an entry in ClinVar:

ClinVar aggregate classification (germline): Conflicting classifications of pathogenicity. Review status: criteria provided, conflicting classifications (1 of 4 stars). 4 submissions from 4 submitters: Uncertain significance (3); Likely benign (1). Last evaluated 2025-08-25.

Conditions:
Hereditary cancer-predisposing syndrome. Also called: Neoplastic Syndromes, Hereditary; Tumor predisposition; Hereditary neoplastic syndrome; Hereditary Cancer Syndrome. Identifiers: Orphanet 140162, MedGen C0027672, MeSH D009386, MONDO:0015356.
BAP1-related tumor predisposition syndrome (TPDS1). Also called: Tumor susceptibility linked to germline BAP1 mutations; BAP1 tumor predisposition syndrome; TUMOR PREDISPOSITION SYNDROME 1; COMMON Syndrome. Identifiers: Orphanet 289539, MedGen C3280492, MONDO:0013692, OMIM 614327.

Allele frequency attached by ClinVar (database versions not stated): gnomAD exomes below 0.00001; ExAC 0.00001.
gnomAD v4.1: 1 of 1,614,168 alleles (0.000062%); highest among the groups gnomAD compares: Non-Finnish European, 0.000085%; no homozygotes.

Submissions (4):

Labcorp Genetics (formerly Invitae), Labcorp
Classification: Uncertain significance for BAP1-related tumor predisposition syndrome. Last evaluated: 2025-08-25. Review status: criteria provided, single submitter. Criteria: Invitae Variant Classification Sherloc (09022015). Collection method: clinical testing. Allele origin: germline.
Comment: This sequence change replaces glutamine, which is neutral and polar, with lysine, which is basic and polar, at codon 277 of the BAP1 protein (p.Gln277Lys). This variant is present in population databases (rs770127999, gnomAD 0.0009%). This variant has not been reported in the literature in individuals affected with BAP1-related conditions. ClinVar contains an entry for this variant (Variation ID: 629906). Invitae Evidence Modeling of protein sequence and biophysical properties (such as structural, functional, and spatial information, amino acid conservation, physicochemical variation, residue mobility, and thermodynamic stability) indicates that this missense variant is not expected to disrupt BAP1 protein function with a negative predictive value of 80%. In summary, the available evidence is currently insufficient to determine the role of this variant in disease. Therefore, it has been classified as a Variant of Uncertain Significance.

Color Diagnostics, LLC DBA Color Health
Classification: Likely benign for Hereditary cancer-predisposing syndrome. Last evaluated: 2025-06-10. Review status: criteria provided, single submitter. Criteria: ACMG Guidelines, 2015. Collection method: clinical testing. Allele origin: germline.

Ambry Genetics
Classification: Uncertain significance for Hereditary cancer-predisposing syndrome. Last evaluated: 2024-10-29. Review status: criteria provided, single submitter. Criteria: Ambry Variant Classification Scheme 2023. Collection method: clinical testing. Allele origin: germline.
Comment: The p.Q277K variant (also known as c.829C>A), located in coding exon 10 of the BAP1 gene, results from a C to A substitution at nucleotide position 829. The glutamine at codon 277 is replaced by lysine, an amino acid with similar properties. This amino acid position is highly conserved in available vertebrate species. In addition, this alteration is predicted to be tolerated by in silico analysis. Based on the available evidence, the clinical significance of this variant remains unclear.

GeneDx
Classification: Uncertain significance. Last evaluated: 2023-03-20. Review status: criteria provided, single submitter. Criteria: GeneDx Variant Classification Process June 2021. Collection method: clinical testing. Allele origin: germline. Affected: yes.
Comment: Not observed at significant frequency in large population cohorts (gnomAD); In silico analysis supports that this missense variant does not alter protein structure/function; Has not been previously published as pathogenic or benign to our knowledge

NM_004656.4(BAP1):c.829C>A (p.Gln277Lys)

Gene: BAP1 (BRCA1 associated deubiquitinase 1; minus strand). Cytogenetic location: 3p21.1.
Variant type: single nucleotide variant.
Coding change: c.829C>A on transcript NM_004656.4 (MANE Select); coding-DNA position 829, C replaced by A.
Protein change: p.Gln277Lys; replaces glutamine 277 with lysine.
Molecular consequence: missense variant.
Genome position (GRCh38, 1-based): chr3:52,405,867, G>T on the plus strand (C>A on the coding strand, the complement: BAP1 is on the minus strand). VCF-style: chr3-52405867-G-T. GRCh37 (hg19) VCF-style: chr3-52439883-G-T.
Other names: c.829C>A (NM_004656.2); short protein forms Q277K.
Identifiers: ClinVar variation 629906 (VCV000629906.13), dbSNP rs770127999, ClinGen allele CA2436984.